The following is an entry in ClinVar:

ClinVar aggregate classification (germline): Likely benign (1 of 4 stars; one submission).

Allele frequency attached by ClinVar (database versions not stated): ExAC 0.00007; gnomAD exomes 0.00009; TOPMed 0.00012; 1000 Genomes Project 30x 0.00016; gnomAD 0.00016; 1000 Genomes Project 0.00020; ESP Exome Variant Server 0.00023.
gnomAD v4.1: 153 of 1,614,166 alleles (0.0095%); highest among the groups gnomAD compares: Non-Finnish European, 0.013%; no homozygotes.

Submission:

CeGaT Center for Human Genetics Tuebingen
Classification: Likely benign. Last evaluated: 2023-02-01. Review status: criteria provided, single submitter. Criteria: CeGaT Center For Human Genetics Tuebingen Variant Classification Criteria Version 2. Collection method: clinical testing. Allele origin: germline. Affected: yes. Observed: 1 variant allele.
Comment: CFAP45: BP4, BP7

NM_012337.3(CFAP45):c.1521C>T (p.Ala507=)

Gene: CFAP45 (cilia and flagella associated protein 45; minus strand). Cytogenetic location: 1q23.2.
Variant type: single nucleotide variant.
Coding change: c.1521C>T on transcript NM_012337.3 (MANE Select); coding-DNA position 1521, C replaced by T.
Protein change: p.Ala507=; no amino-acid change (alanine 507 retained).
Molecular consequence: synonymous variant.
Genome position (GRCh38, 1-based): chr1:159,873,000, G>A on the plus strand (C>T on the coding strand, the complement: CFAP45 is on the minus strand). VCF-style: chr1-159873000-G-A. GRCh37 (hg19) VCF-style: chr1-159842790-G-A.
Identifiers: ClinVar variation 2639486 (VCV002639486.24), dbSNP rs149683405, ClinGen allele CA1190798.
Genomic context (GRCh38, chr1:159,873,000, plus strand): 5'-GCACCTCAGCTCTTCAAGCTTTTTCCTCTTGATCTCATCGATGCGCTCACGGCGTTTCTG[G>A]GCCTCCTCTTTGAGGCGCCGGCCCTCCTCAAAGGTGGCAATCCGGTTCTGCACTTCCTTC-3'
Protein context (NP_036469.2, residues 497-517): FEEGRRLKEE[Ala507=]QKRRERIDEI